The following is an entry in ClinVar:

NM_001009999.3(KDM1A):c.738G>T (p.Lys246Asn)

Gene: KDM1A (lysine demethylase 1A; plus strand). Cytogenetic location: 1p36.12.
Variant type: single nucleotide variant.
Coding change: c.738G>T on transcript NM_001009999.3 (MANE Select); coding-DNA position 738, G replaced by T.
Protein change: p.Lys246Asn; replaces lysine 246 with asparagine.
Molecular consequence: missense variant.
Genome position (GRCh38, 1-based): chr1:23,053,787, G>T. VCF-style: chr1-23053787-G-T. GRCh37 (hg19) VCF-style: chr1-23380280-G-T.
Other names: c.678G>T, p.Lys226Asn (NM_001363654.2, NM_001410763.1, NM_015013.4); c.738G>T, p.Lys246Asn (NM_001410762.1); short protein forms K246N, K226N.
Identifiers: ClinVar variation 4622734 (VCV004622734.1).

ClinVar aggregate classification (germline): Uncertain significance (1 of 4 stars; one submission).

Conditions:
Inborn genetic diseases. Identifiers: MedGen C0950123, MeSH D030342.

Submission:

Ambry Genetics
Classification: Uncertain significance for Inborn genetic diseases. Last evaluated: 2025-11-30. Review status: criteria provided, single submitter. Criteria: Ambry Variant Classification Scheme 2023. Collection method: clinical testing. Allele origin: germline.
Comment: The p.K246N variant (also known as c.738G>T), located in coding exon 5 of the KDM1A gene, results from a G to T substitution at nucleotide position 738. The lysine at codon 246 is replaced by asparagine, an amino acid with similar properties. This amino acid position is conserved. In addition, this alteration is predicted to be tolerated by in silico analysis. Based on the available evidence, the clinical significance of this variant remains unclear.